The following is an entry in ClinVar:

NM_014714.4(IFT140):c.1103G>C (p.Arg368Thr)

Genes: IFT140 (intraflagellar transport 140; minus strand), LOC105371046 (uncharacterized LOC105371046; plus strand). Cytogenetic location: 16p13.3.
Variant type: single nucleotide variant.
Coding change: c.1103G>C on transcript NM_014714.4 (MANE Select); coding-DNA position 1103, G replaced by C.
Protein change: p.Arg368Thr; replaces arginine 368 with threonine.
Molecular consequence: missense variant.
Genome position (GRCh38, 1-based): chr16:1,586,182, C>G on the plus strand (G>C on the coding strand, the complement: IFT140 is on the minus strand). VCF-style: chr16-1586182-C-G. GRCh37 (hg19) VCF-style: chr16-1636183-C-G.
Other names: c.1103G>C (NM_014714.3); short protein forms R368T.
Identifiers: ClinVar variation 1010044 (VCV001010044.11), dbSNP rs765706103, ClinGen allele CA394215862.
Genomic context (GRCh38, chr16:1,586,182, plus strand): 5'-GGCTGTACCTGGATTTGCGTGATGTTTCCTTGGAGCTCGGTAGGGGTCTGAAGGGCCCAC[C>G]TGTCCTTGCCCTCTGCCCCGGGGCTGCCCAGGAAGTCTGGTACTTTCCTCCACATGGCTA-3'
Protein context (NP_055529.2, residues 358-378): LGSPGAEGKD[Arg368Thr]WALQTPTELQ

ClinVar aggregate classification (germline): Uncertain significance. Review status: criteria provided, multiple submitters, no conflicts (2 of 4 stars). 4 submissions from 4 submitters: Uncertain significance (4). Last evaluated 2026-03-03.

Conditions:
Saldino-Mainzer syndrome (SRTD9). Also called: CONORENAL SYNDROME; Renal dysplasia, retinal pigmentary dystrophy, cerebellar ataxia and skeletal dysplasia; short-rib thoracic dysplasia 9 with or without polydactyly; SHORT-RIB THORACIC DYSPLASIA 9 WITHOUT POLYDACTYLY. Identifiers: Orphanet 140969, MedGen C1849437, MONDO:0009964, OMIM 266920.
Retinitis pigmentosa 80 (RP80). Identifiers: MedGen C4540439, MONDO:0054708, OMIM 617781.
Inborn genetic diseases. Identifiers: MedGen C0950123, MeSH D030342.

gnomAD v4.1: 1 of 1,614,098 alleles (0.000062%); highest among the groups gnomAD compares: Non-Finnish European, 0.000085%; no homozygotes.

Submissions (4):

Ambry Genetics
Classification: Uncertain significance for Inborn genetic diseases. Last evaluated: 2026-03-03. Review status: criteria provided, single submitter. Criteria: Ambry Variant Classification Scheme 2023. Collection method: clinical testing. Allele origin: germline.

GeneDx
Classification: Uncertain significance. Last evaluated: 2025-07-02. Review status: criteria provided, single submitter. Criteria: GeneDx Variant Classification Process June 2021. Collection method: clinical testing. Allele origin: germline. Affected: yes.
Comment: Not observed at significant frequency in large population cohorts (gnomAD); In silico analysis suggests that this missense variant does not alter protein structure/function; Has not been previously published as pathogenic or benign to our knowledge

Fulgent Genetics
Classification: Uncertain significance for Saldino-Mainzer syndrome; Retinitis pigmentosa 80. Last evaluated: 2024-05-25. Review status: criteria provided, single submitter. Criteria: ACMG Guidelines, 2015. Collection method: clinical testing. Allele origin: germline.

Labcorp Genetics (formerly Invitae), Labcorp
Classification: Uncertain significance for Saldino-Mainzer syndrome. Last evaluated: 2022-09-13. Review status: criteria provided, single submitter. Criteria: Invitae Variant Classification Sherloc (09022015). Collection method: clinical testing. Allele origin: germline.
Comment: This sequence change replaces arginine, which is basic and polar, with threonine, which is neutral and polar, at codon 368 of the IFT140 protein (p.Arg368Thr). This variant is not present in population databases (gnomAD no frequency). This variant has not been reported in the literature in individuals affected with IFT140-related conditions. ClinVar contains an entry for this variant (Variation ID: 1010044). Advanced modeling of protein sequence and biophysical properties (such as structural, functional, and spatial information, amino acid conservation, physicochemical variation, residue mobility, and thermodynamic stability) performed at Invitae indicates that this missense variant is not expected to disrupt IFT140 protein function. In summary, the available evidence is currently insufficient to determine the role of this variant in disease. Therefore, it has been classified as a Variant of Uncertain Significance.